The following is an entry in ClinVar:

ClinVar aggregate classification (germline): Uncertain significance (1 of 4 stars; one submission).

Submission:

CeGaT Center for Human Genetics Tuebingen
Classification: Uncertain significance. Last evaluated: 2025-07-01. Review status: criteria provided, single submitter. Criteria: CeGaT Center For Human Genetics Tuebingen Variant Classification Criteria Version 2. Collection method: clinical testing. Allele origin: germline. Affected: yes. Observed: 1 variant allele.
Comment: ATP1A2: PM2, PP2

NM_000702.4(ATP1A2):c.1173C>G (p.Phe391Leu)

Gene: ATP1A2 (ATPase Na+/K+ transporting subunit alpha 2; plus strand). Cytogenetic location: 1q23.2.
Variant type: single nucleotide variant.
Coding change: c.1173C>G on transcript NM_000702.4 (MANE Select); coding-DNA position 1173, C replaced by G.
Protein change: p.Phe391Leu; replaces phenylalanine 391 with leucine.
Molecular consequence: missense variant.
Genome position (GRCh38, 1-based): chr1:160,128,807, C>G. VCF-style: chr1-160128807-C-G. GRCh37 (hg19) VCF-style: chr1-160098597-C-G.
Other names: short protein forms F391L.
Identifiers: ClinVar variation 4085499 (VCV004085499.8).